The following is an entry in ClinVar:

NM_021951.3(DMRT1):c.793G>A (p.Val265Met)

Genes: DMRT1 (doublesex and mab-3 related transcription factor 1; plus strand), LOC130001446 (ATAC-STARR-seq lymphoblastoid active region 28121; plus strand). Cytogenetic location: 9p24.3.
Variant type: single nucleotide variant.
Coding change: c.793G>A on transcript NM_021951.3 (MANE Select); coding-DNA position 793, G replaced by A.
Protein change: p.Val265Met; replaces valine 265 with methionine.
Molecular consequence: missense variant.
Genome position (GRCh38, 1-based): chr9:894,166, G>A. VCF-style: chr9-894166-G-A. GRCh37 (hg19) VCF-style: chr9-894166-G-A.
Other names: c.319G>A, p.Val107Met (NM_001363767.1); short protein forms V107M, V265M.
Identifiers: ClinVar variation 2291072 (VCV002291072.5), dbSNP rs146893441, ClinGen allele CA4961655.
Genomic context (GRCh38, chr9:894,166, plus strand): 5'-GGAAATCCCCTCGGGGGATCCCCTGTGAAGAACAGCCTTCGGGGCCTCCCCGGACCTTAT[G>A]TGCCTGGTCAGACAGGAAACCAGTGGCAGGTATGATATTAATTACCCAGAGAGTGAACTG-3'
Protein context (NP_068770.2, residues 255-275): NSLRGLPGPY[Val265Met]PGQTGNQWQM

ClinVar aggregate classification (germline): Uncertain significance. Review status: criteria provided, multiple submitters, no conflicts (2 of 4 stars). 2 submissions from 2 submitters: Uncertain significance (2). Last evaluated 2025-10-01.

Allele frequency attached by ClinVar (database versions not stated): ExAC 0.00012; gnomAD 0.00011; TOPMed 0.00012; 1000 Genomes Project 0.00020; ESP Exome Variant Server 0.00015; 1000 Genomes Project 30x 0.00016.
gnomAD v4.1: 278 of 1,613,910 alleles (0.017%); highest among the groups gnomAD compares: Non-Finnish European, 0.023%; no homozygotes.

Submissions (2):

Labcorp Genetics (formerly Invitae), Labcorp
Classification: Uncertain significance. Last evaluated: 2025-10-01. Review status: criteria provided, single submitter. Criteria: Invitae Variant Classification Sherloc (09022015). Collection method: clinical testing. Allele origin: germline.
Comment: This sequence change replaces valine, which is neutral and non-polar, with methionine, which is neutral and non-polar, at codon 265 of the DMRT1 protein (p.Val265Met). This variant is present in population databases (rs146893441, gnomAD 0.02%). This variant has not been reported in the literature in individuals affected with DMRT1-related conditions. ClinVar contains an entry for this variant (Variation ID: 2291072). Invitae Evidence Modeling of protein sequence and biophysical properties (such as structural, functional, and spatial information, amino acid conservation, physicochemical variation, residue mobility, and thermodynamic stability) indicates that this missense variant is not expected to disrupt DMRT1 protein function with a negative predictive value of 80%. In summary, the available evidence is currently insufficient to determine the role of this variant in disease. Therefore, it has been classified as a Variant of Uncertain Significance.

Ambry Genetics
Classification: Uncertain significance. Last evaluated: 2021-09-27. Review status: criteria provided, single submitter. Criteria: Ambry Variant Classification Scheme 2023. Collection method: clinical testing. Allele origin: germline.